The following is an entry in ClinVar:

ClinVar aggregate classification (germline): Pathogenic/Likely pathogenic. Review status: criteria provided, multiple submitters, no conflicts (2 of 4 stars). 2 submissions from 2 submitters: Pathogenic (1); Likely pathogenic (1). Last evaluated 2023-05-01.

Conditions:
Ehlers-Danlos syndrome, type 4 (EDSVASC). Also called: Ehlers-Danlos syndrome vascular type; Ehlers Danlos syndrome, ecchymotic type; Ehlers Danlos syndrome, arterial type; Ehlers Danlos syndrome, Sack-Barabas type; Ehlers-Danlos Syndrome Type IV. Identifiers: Orphanet 286, MedGen C0268338, MONDO:0017314, OMIM 130050.

Submissions (2):

GeneDx
Classification: Pathogenic. Last evaluated: 2023-05-01. Review status: criteria provided, single submitter. Criteria: GeneDx Variant Classification Process June 2021. Collection method: clinical testing. Allele origin: germline. Affected: yes.
Comment: Occurs in the triple helical domain and replaces the glycine in the canonical Gly-X-Y repeat; missense substitution of a canonical glycine residue is expected to disrupt normal protein folding and function, and this is an established mechanism of disease; Not observed in large population cohorts (gnomAD); In silico analysis supports that this missense variant has a deleterious effect on protein structure/function; This variant is associated with the following publications: (PMID: 30793832)

Labcorp Genetics (formerly Invitae), Labcorp
Classification: Likely pathogenic for Ehlers-Danlos syndrome, type 4. Last evaluated: 2022-01-11. Review status: criteria provided, single submitter. Criteria: Invitae Variant Classification Sherloc (09022015). Collection method: clinical testing. Allele origin: germline.
Comment: This sequence change replaces glycine, which is neutral and non-polar, with aspartic acid, which is acidic and polar, at codon 819 of the COL3A1 protein (p.Gly819Asp). This variant is not present in population databases (gnomAD no frequency). This missense change has been observed in individual(s) with clinical features of COL3A1-related conditions (PMID: 30793832). Advanced modeling of protein sequence and biophysical properties (such as structural, functional, and spatial information, amino acid conservation, physicochemical variation, residue mobility, and thermodynamic stability) performed at Invitae indicates that this missense variant is expected to disrupt COL3A1 protein function. This variant disrupts the triple helix domain of COL3A1. Glycine residues within the Gly-Xaa-Yaa repeats of the triple helix domain are required for the structure and stability of fibrillar collagens (PMID: 7695699, 8218237, 19344236). In COL3A1, variants that affect these glycine residues are significantly enriched in individuals with disease (PMID: 24922459, 25758994) compared to the general population (ExAC). In summary, the currently available evidence indicates that the variant is pathogenic, but additional data are needed to prove that conclusively. Therefore, this variant has been classified as Likely Pathogenic.

Literature cited by the submitters: PubMed 30793832 (cited by Labcorp Genetics (formerly Invitae), Labcorp); PubMed 7695699 (cited by Labcorp Genetics (formerly Invitae), Labcorp); PubMed 8218237 (cited by Labcorp Genetics (formerly Invitae), Labcorp); PubMed 19344236 (cited by Labcorp Genetics (formerly Invitae), Labcorp); PubMed 24922459 (cited by Labcorp Genetics (formerly Invitae), Labcorp); PubMed 25758994 (cited by Labcorp Genetics (formerly Invitae), Labcorp).

NM_000090.4(COL3A1):c.2456G>A (p.Gly819Asp)

Gene: COL3A1 (collagen type III alpha 1 chain; plus strand). Cytogenetic location: 2q32.2.
Variant type: single nucleotide variant.
Coding change: c.2456G>A on transcript NM_000090.4 (MANE Select); coding-DNA position 2456, G replaced by A.
Protein change: p.Gly819Asp; replaces glycine 819 with aspartic acid.
Molecular consequence: missense variant.
Genome position (GRCh38, 1-based): chr2:189,002,965, G>A. VCF-style: chr2-189002965-G-A. GRCh37 (hg19) VCF-style: chr2-189867691-G-A.
Other names: c.2456G>A (NM_000090.3); short protein forms G819D.
Identifiers: ClinVar variation 1523561 (VCV001523561.6), dbSNP rs2153503368, ClinGen allele CA349842718.